The following is an entry in ClinVar:

ClinVar aggregate classification (germline): Likely benign (1 of 4 stars; one submission).

Conditions:
VPS13B-related disorder. Also called: VPS13B-related condition.

Submission:

PreventionGenetics, part of Exact Sciences
Classification: Likely benign for VPS13B-related condition. Last evaluated: 2026-07-15. Review status: criteria provided, single submitter. Criteria: ACMG Guidelines, 2015. Collection method: clinical testing. Allele origin: germline.
Comment: This variant is classified as likely benign based on ACMG/AMP sequence variant interpretation guidelines (Richards et al. 2015 PMID: 25741868, with internal and published modifications).

NM_152564.5(VPS13B):c.11652C>T (p.Phe3884=)

Gene: VPS13B (vacuolar protein sorting 13 homolog B; plus strand). Cytogenetic location: 8q22.2.
Variant type: single nucleotide variant.
Coding change: c.11652C>T on transcript NM_152564.5 (MANE Select); coding-DNA position 11652, C replaced by T.
Protein change: p.Phe3884=; no amino-acid change (phenylalanine 3884 retained).
Molecular consequence: synonymous variant.
Genome position (GRCh38, 1-based): chr8:99,871,604, C>T. VCF-style: chr8-99871604-C-T. GRCh37 (hg19) VCF-style: chr8-100883832-C-T.
Other names: c.11727C>T, p.Phe3909= (NM_017890.5).
Identifiers: ClinVar variation 4994517 (VCV004994517.1).
Genomic context (GRCh38, chr8:99,871,604, plus strand): 5'-GCTGACATCAGAAGTGCTCTTCGTGGTGAGTGTCAGTGAGGACACACAGCAGCAGGCCTT[C>T]CCCGTCACAGAAATCGACTGTGCACAGGACAGCAAGCAGAACAACTTACTCACAGTGCAG-3'
Protein context (NP_689777.3, residues 3874-3894): SVSEDTQQQA[Phe3884=]PVTEIDCAQD